The following is an entry in ClinVar:

ClinVar aggregate classification (germline): Uncertain significance (1 of 4 stars; one submission).

Conditions:
Deficiency of malonyl-CoA decarboxylase. Also called: Malonic aciduria; MCD deficiency. Identifiers: Orphanet 943, MedGen C0342793, MONDO:0009556, OMIM 248360.

Allele frequency attached by ClinVar (database versions not stated): TOPMed below 0.00001.
gnomAD v4.1: 1 of 1,527,634 alleles (0.000065%); highest among the groups gnomAD compares: African/African-American, 0.0014%; no homozygotes.

Submission:

Labcorp Genetics (formerly Invitae), Labcorp
Classification: Uncertain significance for Deficiency of malonyl-CoA decarboxylase. Last evaluated: 2021-08-30. Review status: criteria provided, single submitter. Criteria: Invitae Variant Classification Sherloc (09022015). Collection method: clinical testing. Allele origin: germline.
Comment: This sequence change replaces serine with arginine at codon 73 of the MLYCD protein (p.Ser73Arg). The serine residue is weakly conserved and there is a moderate physicochemical difference between serine and arginine. The frequency data for this variant in the population databases is considered unreliable, as metrics indicate insufficient coverage at this position in the ExAC database. This variant has not been reported in the literature in individuals affected with MLYCD-related conditions. Algorithms developed to predict the effect of missense changes on protein structure and function output the following: SIFT: "Tolerated"; PolyPhen-2: "Benign"; Align-GVGD: "Class C0". The arginine amino acid residue is found in multiple mammalian species, which suggests that this missense change does not adversely affect protein function. In summary, the available evidence is currently insufficient to determine the role of this variant in disease. Therefore, it has been classified as a Variant of Uncertain Significance.

NM_012213.3(MLYCD):c.219C>G (p.Ser73Arg)

Gene: MLYCD (malonyl-CoA decarboxylase; plus strand). Cytogenetic location: 16q23.3.
Variant type: single nucleotide variant.
Coding change: c.219C>G on transcript NM_012213.3 (MANE Select); coding-DNA position 219, C replaced by G.
Protein change: p.Ser73Arg; replaces serine 73 with arginine.
Molecular consequence: missense variant.
Genome position (GRCh38, 1-based): chr16:83,899,363, C>G. VCF-style: chr16-83899363-C-G. GRCh37 (hg19) VCF-style: chr16-83932968-C-G.
Other names: short protein forms S73R.
Identifiers: ClinVar variation 1001297 (VCV001001297.6), dbSNP rs1906691947, ClinGen allele CA396917886.